The following is an entry in ClinVar:

ClinVar aggregate classification (germline): Pathogenic (1 of 4 stars; one submission).

Submission:

Labcorp Genetics (formerly Invitae), Labcorp
Classification: Pathogenic. Last evaluated: 2024-04-07. Review status: criteria provided, single submitter. Criteria: Invitae Variant Classification Sherloc (09022015). Collection method: clinical testing. Allele origin: germline.
Comment: This sequence change creates a premature translational stop signal (p.Glu508*) in the ABCB4 gene. It is expected to result in an absent or disrupted protein product. Loss-of-function variants in ABCB4 are known to be pathogenic (PMID: 17726488, 25755532). This variant is not present in population databases (gnomAD no frequency). This variant has not been reported in the literature in individuals affected with ABCB4-related conditions. For these reasons, this variant has been classified as Pathogenic.

Literature cited by the submitters: PubMed 17726488; PubMed 25755532.

NM_000443.4(ABCB4):c.1522G>T (p.Glu508Ter)

Gene: ABCB4 (ATP binding cassette subfamily B member 4; minus strand). Cytogenetic location: 7q21.12.
Variant type: single nucleotide variant.
Coding change: c.1522G>T on transcript NM_000443.4 (MANE Select); coding-DNA position 1522, G replaced by T.
Protein change: p.Glu508Ter; replaces glutamic acid 508 with a stop codon.
Molecular consequence: nonsense.
Genome position (GRCh38, 1-based): chr7:87,440,237, C>A on the plus strand (G>T on the coding strand, the complement: ABCB4 is on the minus strand). VCF-style: chr7-87440237-C-A. GRCh37 (hg19) VCF-style: chr7-87069553-C-A.
Other names: c.1522G>T, p.Glu508Ter (NM_018849.3, NM_018850.3); short protein forms E508*.
Identifiers: ClinVar variation 3649093 (VCV003649093.2).